The following is an entry in ClinVar:

ClinVar aggregate classification (germline): Likely benign. Review status: criteria provided, multiple submitters, no conflicts (2 of 4 stars). 3 submissions from 3 submitters: Likely benign (3). Last evaluated 2025-08-01.

Conditions:
Hereditary cancer-predisposing syndrome. Also called: Tumor predisposition; Hereditary neoplastic syndrome; Neoplastic Syndromes, Hereditary; Hereditary Cancer Syndrome. Identifiers: Orphanet 140162, MedGen C0027672, MeSH D009386, MONDO:0015356.
Gorlin syndrome. Also called: Nevoid Basal Cell Carcinoma Syndrome; Basal cell nevus syndrome. Identifiers: Orphanet 377, MedGen C0004779, MONDO:0007187.
Medulloblastoma (MDB). Also called: MEDULLOBLASTOMA PREDISPOSITION SYNDROME; Medulloblastoma, somatic. Identifiers: Orphanet 616, MedGen C0025149, MeSH D008527, MONDO:0007959, OMIM 155255, HP:0002885.

Allele frequency attached by ClinVar (database versions not stated): TOPMed below 0.00001; gnomAD 0.00001.
gnomAD v4.1: 1 of 1,614,076 alleles (0.000062%); highest among the groups gnomAD compares: Non-Finnish European, 0.000085%; no homozygotes.

Submissions (3):

CeGaT Center for Human Genetics Tuebingen
Classification: Likely benign. Last evaluated: 2025-08-01. Review status: criteria provided, single submitter. Criteria: CeGaT Center For Human Genetics Tuebingen Variant Classification Criteria Version 2. Collection method: clinical testing. Allele origin: germline. Affected: yes. Observed: 1 variant allele.
Comment: SUFU: BP4, BP7

Labcorp Genetics (formerly Invitae), Labcorp
Classification: Likely benign for Gorlin syndrome; Medulloblastoma. Last evaluated: 2024-01-05. Review status: criteria provided, single submitter. Criteria: Invitae Variant Classification Sherloc (09022015). Collection method: clinical testing. Allele origin: germline.

Ambry Genetics
Classification: Likely benign for Hereditary cancer-predisposing syndrome. Last evaluated: 2019-07-05. Review status: criteria provided, single submitter. Criteria: Ambry Variant Classification Scheme 2023. Collection method: clinical testing. Allele origin: germline.

NM_016169.4(SUFU):c.975A>G (p.Pro325=)

Gene: SUFU (SUFU negative regulator of hedgehog signaling; plus strand). Cytogenetic location: 10q24.32.
Variant type: single nucleotide variant.
Coding change: c.975A>G on transcript NM_016169.4 (MANE Select); coding-DNA position 975, A replaced by G.
Protein change: p.Pro325=; no amino-acid change (proline 325 retained).
Molecular consequence: synonymous variant.
Genome position (GRCh38, 1-based): chr10:102,599,497, A>G. VCF-style: chr10-102599497-A-G. GRCh37 (hg19) VCF-style: chr10-104359254-A-G.
Other names: c.975A>G, p.Pro325= (NM_001178133.2).
Identifiers: ClinVar variation 823461 (VCV000823461.15), dbSNP rs1045258578, ClinGen allele CA212269237.